The following is an entry in ClinVar:

ClinVar aggregate classification (germline): Uncertain significance (1 of 4 stars; one submission).

Conditions:
Deficiency of acetyl-CoA acetyltransferase. Also called: Beta-ketothiolase deficiency; 3-KETOTHIOLASE DEFICIENCY; 3-OXOTHIOLASE DEFICIENCY; MITOCHONDRIAL ACETOACETYL-CoA THIOLASE DEFICIENCY. Identifiers: Orphanet 134, MedGen C1536500, MONDO:0008760, OMIM 203750. Disease mechanism: loss of function.

Submission:

Myriad Genetics, Inc.
Classification: Uncertain significance for Deficiency of acetyl-CoA acetyltransferase. Last evaluated: 2025-08-15. Review status: criteria provided, single submitter. Criteria: Myriad Autosomal Dominant, Autosomal Recessive and X-Linked Classification Criteria (2023). Collection method: clinical testing. Allele origin: unknown.
Comment: NM_000019.3(ACAT1):c.120+5_120+8delGTAA is an intronic variant classified as a variant of uncertain significance in the context of beta-ketothiolase deficiency. c.120+5_120+8delGTAA has not been observed in cases with relevant disease. Relevant functional assessments of this variant are not available in the literature. c.120+5_120+8delGTAA has been observed in referenced population frequency databases. In summary, there is insufficient evidence to classify NM_000019.3(ACAT1):c.120+5_120+8delGTAA as pathogenic or benign. Please note: this variant was assessed in the context of healthy population screening.

NM_000019.4(ACAT1):c.120+5_120+8del

Gene: ACAT1 (acetyl-CoA acetyltransferase 1; plus strand). Cytogenetic location: 11q22.3.
Variant type: Microsatellite.
Coding change: c.120+5_120+8del on transcript NM_000019.4 (MANE Select); bases 5 to 8 of the intron after coding-DNA position 120, 4 bases deleted (GTAA; older notation c.120+5_120+8delGTAA).
Molecular consequence: splice donor variant.
Genome position (GRCh38, 1-based): chr11:108,131,959-108,131,962, GTAA deleted; deleting any 4 consecutive bases within chr11:108,131,955-108,131,962 gives the same sequence; the c. name uses the placement nearest the transcript's 3' end. VCF-style (leftmost placement, unchanged base first): chr11-108131954-GGTAA-G. GRCh37 (hg19) VCF-style: chr11-108002681-GGTAA-G.
Other names: c.-151+5_-151+8del (NM_001386682.1, NM_001386681.1, NM_001386685.1 and 6 more transcripts); c.120+5_120+8del (NM_001386677.1, NM_001386678.1); c.-158+5_-158+8del (NM_001386679.1).
Identifiers: ClinVar variation 5004123 (VCV005004123.1).